The following is an entry in ClinVar:

ClinVar aggregate classification (germline): Conflicting classifications of pathogenicity. Review status: criteria provided, conflicting classifications (1 of 4 stars). 3 submissions from 3 submitters: Uncertain significance (2); Likely benign (1). Last evaluated 2024-01-30.

Conditions:
Prune belly syndrome. Also called: Prune belly. Identifiers: Orphanet 2970, MedGen C0033770, MONDO:0007032, OMIM 100100, HP:0004392.

Allele frequency attached by ClinVar (database versions not stated): ExAC 0.00006; ESP Exome Variant Server 0.00008; gnomAD 0.00009; TOPMed 0.00010; 1000 Genomes Project 30x 0.00016; 1000 Genomes Project 0.00020.
gnomAD v4.1: 89 of 1,612,942 alleles (0.0055%); highest among the groups gnomAD compares: African/African-American, 0.012%; no homozygotes.

Submissions (3):

Fulgent Genetics
Classification: Uncertain significance for Prune belly syndrome. Last evaluated: 2024-01-30. Review status: criteria provided, single submitter. Criteria: ACMG Guidelines, 2015. Collection method: clinical testing. Allele origin: germline.

Labcorp Genetics (formerly Invitae), Labcorp
Classification: Uncertain significance. Last evaluated: 2022-09-13. Review status: criteria provided, single submitter. Criteria: Invitae Variant Classification Sherloc (09022015). Collection method: clinical testing. Allele origin: germline.
Comment: This sequence change replaces valine, which is neutral and non-polar, with methionine, which is neutral and non-polar, at codon 414 of the CHRM3 protein (p.Val414Met). In summary, the available evidence is currently insufficient to determine the role of this variant in disease. Therefore, it has been classified as a Variant of Uncertain Significance. Algorithms developed to predict the effect of missense changes on protein structure and function output the following: SIFT: "Tolerated"; PolyPhen-2: "Benign"; Align-GVGD: "Class C0". The methionine amino acid residue is found in multiple mammalian species, which suggests that this missense change does not adversely affect protein function. This variant has not been reported in the literature in individuals affected with CHRM3-related conditions. This variant is present in population databases (rs145638222, gnomAD 0.01%).

Ambry Genetics
Classification: Likely benign. Last evaluated: 2021-07-06. Review status: criteria provided, single submitter. Criteria: Ambry Variant Classification Scheme 2023. Collection method: clinical testing. Allele origin: germline.

NM_001375978.1(CHRM3):c.1240G>A (p.Val414Met)

Gene: CHRM3 (cholinergic receptor muscarinic 3; plus strand). Cytogenetic location: 1q43.
Variant type: single nucleotide variant.
Coding change: c.1240G>A on transcript NM_001375978.1 (MANE Select); coding-DNA position 1240, G replaced by A.
Protein change: p.Val414Met; replaces valine 414 with methionine.
Molecular consequence: missense variant.
Genome position (GRCh38, 1-based): chr1:239,908,691, G>A. VCF-style: chr1-239908691-G-A. GRCh37 (hg19) VCF-style: chr1-240071991-G-A.
Other names: c.1240G>A, p.Val414Met (NM_000740.4, NM_001347716.2, NM_001375979.1 and 6 more transcripts); c.1240G>A (NM_000740.3); short protein forms V414M.
Identifiers: ClinVar variation 2077549 (VCV002077549.4), dbSNP rs145638222, ClinGen allele CA1475901.